The following is an entry in ClinVar:

NM_005918.4(MDH2):c.147G>T (p.Leu49Phe)

Gene: MDH2 (malate dehydrogenase 2; plus strand). Cytogenetic location: 7q11.23.
Variant type: single nucleotide variant.
Coding change: c.147G>T on transcript NM_005918.4 (MANE Select); coding-DNA position 147, G replaced by T.
Protein change: p.Leu49Phe; replaces leucine 49 with phenylalanine.
Molecular consequence: missense variant. On other transcripts: intron variant (1).
Genome position (GRCh38, 1-based): chr7:76,054,910, G>T. VCF-style: chr7-76054910-G-T. GRCh37 (hg19) VCF-style: chr7-75684228-G-T.
Other names: c.147G>T, p.Leu49Phe (NM_001282403.2); c.-86-2500G>T (NM_001282404.2); short protein forms L49F.
Identifiers: ClinVar variation 3394057 (VCV003394057.1).

ClinVar aggregate classification (germline): Uncertain significance (1 of 4 stars; one submission).

Conditions:
Inborn genetic diseases. Identifiers: MedGen C0950123, MeSH D030342.

Submission:

Ambry Genetics
Classification: Uncertain significance for Inborn genetic diseases. Last evaluated: 2024-06-28. Review status: criteria provided, single submitter. Criteria: Ambry Variant Classification Scheme 2023. Collection method: clinical testing. Allele origin: germline.
Comment: The p.L49F variant (also known as c.147G>T), located in coding exon 2 of the MDH2 gene, results from a G to T substitution at nucleotide position 147. The leucine at codon 49 is replaced by phenylalanine, an amino acid with highly similar properties. This amino acid position is conserved. In addition, the in silico prediction for this alteration is inconclusive. Based on the available evidence, the clinical significance of this variant remains unclear.